The following is an entry in ClinVar:

NM_022124.6(CDH23):c.1019A>G (p.Asp340Gly)

Gene: CDH23 (cadherin related 23; plus strand). Cytogenetic location: 10q22.1.
Variant type: single nucleotide variant.
Coding change: c.1019A>G on transcript NM_022124.6 (MANE Select); coding-DNA position 1019, A replaced by G.
Protein change: p.Asp340Gly; replaces aspartic acid 340 with glycine.
Molecular consequence: missense variant.
Genome position (GRCh38, 1-based): chr10:71,617,278, A>G. VCF-style: chr10-71617278-A-G. GRCh37 (hg19) VCF-style: chr10-73377035-A-G.
Other names: c.1019A>G, p.Asp340Gly (NM_001171930.2, NM_001171931.2, NM_001171932.2 and 1 more transcripts); short protein forms D340G.
Identifiers: ClinVar variation 4991789 (VCV004991789.1).

ClinVar aggregate classification (germline): Uncertain significance (1 of 4 stars; one submission).

Conditions:
CDH23-related disorder. Also called: CDH23-related disorders; CDH23-related condition.

gnomAD v4.1: 4 of 1,614,000 alleles (0.00025%); highest among the groups gnomAD compares: Non-Finnish European, 0.00034%; no homozygotes.

Submission:

PreventionGenetics, part of Exact Sciences
Classification: Uncertain significance for CDH23-related condition. Last evaluated: 2026-08-06. Review status: criteria provided, single submitter. Criteria: ACMG Guidelines, 2015. Collection method: clinical testing. Allele origin: germline.
Comment: The CDH23 c.1019A>G variant is predicted to result in the amino acid substitution p.Asp340Gly. To our knowledge, this variant has not been reported in the literature or in a large population database (gnomAD), indicating this variant is rare. At this time, the clinical significance of this variant is uncertain due to the absence of conclusive functional and genetic evidence.